The following is an entry in ClinVar:

NM_006648.4(WNK2):c.5855G>A (p.Ser1952Asn)

Gene: WNK2 (WNK lysine deficient protein kinase 2; plus strand). Cytogenetic location: 9q22.31.
Variant type: single nucleotide variant.
Coding change: c.5855G>A on transcript NM_006648.4 (MANE Select); coding-DNA position 5855, G replaced by A.
Protein change: p.Ser1952Asn; replaces serine 1952 with asparagine.
Molecular consequence: missense variant.
Genome position (GRCh38, 1-based): chr9:93,297,999, G>A. VCF-style: chr9-93297999-G-A. GRCh37 (hg19) VCF-style: chr9-96060281-G-A.
Other names: c.5966G>A, p.Ser1989Asn (NM_001282394.3); short protein forms S1952N, S1989N.
Identifiers: ClinVar variation 4605409 (VCV004605409.1).

ClinVar aggregate classification (germline): Uncertain significance (1 of 4 stars; one submission).

gnomAD v4.1: 3 of 1,559,804 alleles (0.00019%); highest among the groups gnomAD compares: Non-Finnish European, 0.00026%; no homozygotes.

Submission:

Ambry Genetics
Classification: Uncertain significance. Last evaluated: 2025-12-01. Review status: criteria provided, single submitter. Criteria: Ambry Variant Classification Scheme 2023. Collection method: clinical testing. Allele origin: germline.
Comment: The p.S1952N variant (also known as c.5855G>A), located in coding exon 23 of the WNK2 gene, results from a G to A substitution at nucleotide position 5855. The serine at codon 1952 is replaced by asparagine, an amino acid with highly similar properties. This amino acid position is conserved. In addition, this alteration is predicted to be tolerated by in silico analysis. Based on the available evidence, the clinical significance of this variant remains unclear.